The following is an entry in ClinVar:

NM_015557.3(CHD5):c.2349C>G (p.Asp783Glu)

Gene: CHD5 (chromodomain helicase DNA binding protein 5; minus strand). Cytogenetic location: 1p36.31.
Variant type: single nucleotide variant.
Coding change: c.2349C>G on transcript NM_015557.3 (MANE Select); coding-DNA position 2349, C replaced by G.
Protein change: p.Asp783Glu; replaces aspartic acid 783 with glutamic acid.
Molecular consequence: missense variant.
Genome position (GRCh38, 1-based): chr1:6,142,215, G>C on the plus strand (C>G on the coding strand, the complement: CHD5 is on the minus strand). VCF-style: chr1-6142215-G-C. GRCh37 (hg19) VCF-style: chr1-6202275-G-C.
Other names: short protein forms D783E.
Identifiers: ClinVar variation 3384540 (VCV003384540.1).

ClinVar aggregate classification (germline): Uncertain significance (1 of 4 stars; one submission).

Submission:

GeneDx
Classification: Uncertain significance. Last evaluated: 2024-06-07. Review status: criteria provided, single submitter. Criteria: GeneDx Variant Classification Process June 2021. Collection method: clinical testing. Allele origin: germline. Affected: yes.
Comment: Not observed at significant frequency in large population cohorts (gnomAD); In silico analysis supports that this missense variant has a deleterious effect on protein structure/function; Has not been previously published as pathogenic or benign to our knowledge